The following is an entry in ClinVar:

ClinVar aggregate classification (germline): Uncertain significance (1 of 4 stars; one submission).

Conditions:
Cenani-Lenz syndactyly syndrome. Also called: CENANI SYNDACTYLISM; SYNDACTYLY, TYPE VII. Identifiers: Orphanet 3258, MedGen C1859309, MONDO:0008931, OMIM 212780.
Congenital myasthenic syndrome 17. Identifiers: Orphanet 590, MedGen C4225377, MONDO:0014578, OMIM 616304.
Sclerosteosis 2 (SOST2). Identifiers: Orphanet 3152, MedGen C3280402, MONDO:0013679, OMIM 614305.

Submission:

Labcorp Genetics (formerly Invitae), Labcorp
Classification: Uncertain significance for Cenani-Lenz syndactyly syndrome; Sclerosteosis 2; Congenital myasthenic syndrome 17. Last evaluated: 2024-10-22. Review status: criteria provided, single submitter. Criteria: Invitae Variant Classification Sherloc (09022015). Collection method: clinical testing. Allele origin: germline.
Comment: This sequence change replaces asparagine, which is neutral and polar, with isoleucine, which is neutral and non-polar, at codon 245 of the LRP4 protein (p.Asn245Ile). This variant is not present in population databases (gnomAD no frequency). This variant has not been reported in the literature in individuals affected with LRP4-related conditions. An algorithm developed to predict the effect of missense changes on protein structure and function (PolyPhen-2) suggests that this variant is likely to be disruptive. Algorithms developed to predict the effect of sequence changes on RNA splicing suggest that this variant may disrupt the consensus splice site. In summary, the available evidence is currently insufficient to determine the role of this variant in disease. Therefore, it has been classified as a Variant of Uncertain Significance.

NM_002334.4(LRP4):c.734A>T (p.Asn245Ile)

Gene: LRP4 (LDL receptor related protein 4; minus strand). Cytogenetic location: 11p11.2.
Variant type: single nucleotide variant.
Coding change: c.734A>T on transcript NM_002334.4 (MANE Select); coding-DNA position 734, A replaced by T.
Protein change: p.Asn245Ile; replaces asparagine 245 with isoleucine.
Molecular consequence: missense variant.
Genome position (GRCh38, 1-based): chr11:46,898,620, T>A on the plus strand (A>T on the coding strand, the complement: LRP4 is on the minus strand). VCF-style: chr11-46898620-T-A. GRCh37 (hg19) VCF-style: chr11-46920171-T-A.
Other names: short protein forms N245I.
Identifiers: ClinVar variation 3750080 (VCV003750080.2).